The following is an entry in ClinVar:

NM_001144869.3(LIPT2):c.71_94del (p.Asp24_Gln31del)

Genes: LIPT2 (lipoyl(octanoyl) transferase 2; minus strand), LIPT2-AS1 (LIPT2 antisense RNA 1; plus strand). Cytogenetic location: 11q13.4.
Variant type: Deletion.
Coding change: c.71_94del on transcript NM_001144869.3 (MANE Select); coding-DNA positions 71 to 94, 24 bases deleted (ACCGCTGGCTGCGGCGGCTGCAGG).
Protein change: p.Asp24_Gln31del.
Molecular consequence: inframe deletion. On other transcripts: non-coding transcript variant (1).
Genome position (GRCh38, 1-based): chr11:74,493,610-74,493,633, CCTGCAGCCGCCGCAGCCAGCGGT deleted on the plus strand (ACCGCTGGCTGCGGCGGCTGCAGG on the coding strand, the reverse complement: LIPT2 is on the minus strand); deleting any 24 consecutive bases within chr11:74,493,610-74,493,642 gives the same sequence; the c. name uses the placement nearest the transcript's 3' end. VCF-style (leftmost placement, unchanged base first): chr11-74493609-GCCTGCAGCCGCCGCAGCCAGCGGT-G. GRCh37 (hg19) VCF-style: chr11-74204654-GCCTGCAGCCGCCGCAGCCAGCGGT-G.
Other names: c.71_94del, p.Asp24_Gln31del (NM_001329941.2, NM_001329942.2).
Identifiers: ClinVar variation 2582896 (VCV002582896.25), dbSNP rs1173892334, ClinGen allele CA680151242.

ClinVar aggregate classification (germline): Uncertain significance (1 of 4 stars; one submission).

Submission:

CeGaT Center for Human Genetics Tuebingen
Classification: Uncertain significance. Last evaluated: 2023-09-01. Review status: criteria provided, single submitter. Criteria: CeGaT Center For Human Genetics Tuebingen Variant Classification Criteria Version 2. Collection method: clinical testing. Allele origin: germline. Affected: yes. Observed: 1 variant allele.
Comment: LIPT2: PM2, PM4